The following is an entry in ClinVar:

ClinVar aggregate classification (germline): Uncertain significance. Review status: criteria provided, multiple submitters, no conflicts (2 of 4 stars). 2 submissions from 2 submitters: Uncertain significance (2). Last evaluated 2024-06-20.

Conditions:
Inborn genetic diseases. Identifiers: MedGen C0950123, MeSH D030342.

Allele frequency attached by ClinVar (database versions not stated): TOPMed below 0.00001.
gnomAD v4.1: 5 of 1,566,352 alleles (0.00032%); highest among the groups gnomAD compares: Non-Finnish European, 0.00034%; no homozygotes.

Submissions (2):

Women's Health and Genetics/Laboratory Corporation of America, LabCorp
Classification: Uncertain significance. Last evaluated: 2024-06-20. Review status: criteria provided, single submitter. Criteria: LabCorp Variant Classification Summary - May 2015. Collection method: clinical testing. Allele origin: germline.
Comment: Variant summary: PACS1 c.170C>T (p.Ser57Phe) results in a non-conservative amino acid change in the encoded protein sequence. Three of five in-silico tools predict a benign effect of the variant on protein function. The frequency data for this variant in gnomAD is considered unreliable, as metrics indicate poor data quality at this position. To our knowledge, no occurrence of c.170C>T in individuals affected with Schuurs-Hoeijmakers Syndrome and no experimental evidence demonstrating its impact on protein function have been reported. ClinVar contains an entry for this variant (Variation ID: 3207891). Based on the evidence outlined above, the variant was classified as uncertain significance.

Ambry Genetics
Classification: Uncertain significance for Inborn genetic diseases. Last evaluated: 2022-09-22. Review status: criteria provided, single submitter. Criteria: Ambry Variant Classification Scheme 2023. Collection method: clinical testing. Allele origin: germline.

NM_018026.4(PACS1):c.170C>T (p.Ser57Phe)

Gene: PACS1 (phosphofurin acidic cluster sorting protein 1; plus strand). Cytogenetic location: 11q13.1.
Variant type: single nucleotide variant.
Coding change: c.170C>T on transcript NM_018026.4 (MANE Select); coding-DNA position 170, C replaced by T.
Protein change: p.Ser57Phe; replaces serine 57 with phenylalanine.
Molecular consequence: missense variant.
Genome position (GRCh38, 1-based): chr11:66,070,656, C>T. VCF-style: chr11-66070656-C-T. GRCh37 (hg19) VCF-style: chr11-65838127-C-T.
Other names: short protein forms S57F.
Identifiers: ClinVar variation 3207891 (VCV003207891.2), dbSNP rs1483604451, ClinGen allele CA381507713.